The following is an entry in ClinVar:

ClinVar aggregate classification (germline): Uncertain significance (1 of 4 stars; one submission).

Allele frequency attached by ClinVar (database versions not stated): ESP Exome Variant Server 0.00008.
gnomAD v4.1: 4 of 1,613,678 alleles (0.00025%); highest among the groups gnomAD compares: Non-Finnish European, 0.00034%; no homozygotes.

Submission:

GeneDx
Classification: Uncertain significance. Last evaluated: 2022-04-29. Review status: criteria provided, single submitter. Criteria: GeneDx Variant Classification Process June 2021. Collection method: clinical testing. Allele origin: germline. Affected: yes.
Comment: Not observed at significant frequency in large population cohorts (gnomAD); Has not been previously published as pathogenic or benign to our knowledge; In silico analysis, which includes splice predictors and evolutionary conservation, suggests this variant may impact gene splicing. In the absence of RNA/functional studies, the actual effect of this sequence change is unknown.

NM_001205293.3(CACNA1E):c.3918C>T (p.Ile1306=)

Gene: CACNA1E (calcium voltage-gated channel subunit alpha1 E; plus strand). Cytogenetic location: 1q25.3.
Variant type: single nucleotide variant.
Coding change: c.3918C>T on transcript NM_001205293.3 (MANE Select); coding-DNA position 3918, C replaced by T.
Protein change: p.Ile1306=; no amino-acid change (isoleucine 1306 retained).
Molecular consequence: synonymous variant.
Genome position (GRCh38, 1-based): chr1:181,755,326, C>T. VCF-style: chr1-181755326-C-T. GRCh37 (hg19) VCF-style: chr1-181724462-C-T.
Other names: c.3918C>T, p.Ile1306= (NM_000721.4); c.3861C>T, p.Ile1287= (NM_001205294.2).
Identifiers: ClinVar variation 1712836 (VCV001712836.2), dbSNP rs369817357, ClinGen allele CA33828686.